The following is an entry in ClinVar:

NM_022124.6(CDH23):c.9686T>C (p.Phe3229Ser)

Gene: CDH23 (cadherin related 23; plus strand). Cytogenetic location: 10q22.1.
Variant type: single nucleotide variant.
Coding change: c.9686T>C on transcript NM_022124.6 (MANE Select); coding-DNA position 9686, T replaced by C.
Protein change: p.Phe3229Ser; replaces phenylalanine 3229 with serine.
Molecular consequence: missense variant. On other transcripts: intron variant (2).
Genome position (GRCh38, 1-based): chr10:71,813,296, T>C. VCF-style: chr10-71813296-T-C. GRCh37 (hg19) VCF-style: chr10-73573053-T-C.
Other names: c.2966T>C, p.Phe989Ser (NM_001171933.1); c.377T>C, p.Phe126Ser (NM_001171935.1); c.2913+406T>C (NM_001171934.1); c.324+406T>C (NM_001171936.1); short protein forms F3229S, F126S, F989S.
Identifiers: ClinVar variation 1994211 (VCV001994211.4), dbSNP rs1323848232, ClinGen allele CA377137310.

ClinVar aggregate classification (germline): Uncertain significance (1 of 4 stars; one submission).

Allele frequency attached by ClinVar (database versions not stated): gnomAD exomes below 0.00001.
gnomAD v4.1: 1 of 1,551,646 alleles (0.000064%); highest among the groups gnomAD compares: Admixed American, 0.002%; no homozygotes.

Submission:

Labcorp Genetics (formerly Invitae), Labcorp
Classification: Uncertain significance. Last evaluated: 2022-07-26. Review status: criteria provided, single submitter. Criteria: Invitae Variant Classification Sherloc (09022015). Collection method: clinical testing. Allele origin: germline.
Comment: Algorithms developed to predict the effect of missense changes on protein structure and function are either unavailable or do not agree on the potential impact of this missense change (SIFT: "Deleterious"; PolyPhen-2: "Not Available"; Align-GVGD: "Class C0"). This sequence change replaces phenylalanine, which is neutral and non-polar, with serine, which is neutral and polar, at codon 3229 of the CDH23 protein (p.Phe3229Ser). This variant is present in population databases (no rsID available, gnomAD 0.004%). This variant has not been reported in the literature in individuals affected with CDH23-related conditions. In summary, the available evidence is currently insufficient to determine the role of this variant in disease. Therefore, it has been classified as a Variant of Uncertain Significance.